The following is an entry in ClinVar:

NM_006648.4(WNK2):c.5398G>T (p.Gly1800Cys)

Gene: WNK2 (WNK lysine deficient protein kinase 2; plus strand). Cytogenetic location: 9q22.31.
Variant type: single nucleotide variant.
Coding change: c.5398G>T on transcript NM_006648.4 (MANE Select); coding-DNA position 5398, G replaced by T.
Protein change: p.Gly1800Cys; replaces glycine 1800 with cysteine.
Molecular consequence: missense variant.
Genome position (GRCh38, 1-based): chr9:93,292,863, G>T. VCF-style: chr9-93292863-G-T. GRCh37 (hg19) VCF-style: chr9-96055145-G-T.
Other names: c.5509G>T, p.Gly1837Cys (NM_001282394.3); short protein forms G1837C, G1800C.
Identifiers: ClinVar variation 3981670 (VCV003981670.1).

ClinVar aggregate classification (germline): Uncertain significance (1 of 4 stars; one submission).

Submission:

Ambry Genetics
Classification: Uncertain significance. Last evaluated: 2025-03-18. Review status: criteria provided, single submitter. Criteria: Ambry Variant Classification Scheme 2023. Collection method: clinical testing. Allele origin: germline.
Comment: The p.G1800C variant (also known as c.5398G>T), located in coding exon 22 of the WNK2 gene, results from a G to T substitution at nucleotide position 5398. The glycine at codon 1800 is replaced by cysteine, an amino acid with highly dissimilar properties. This amino acid position is conserved. In addition, the in silico prediction for this alteration is inconclusive. Based on the available evidence, the clinical significance of this variant remains unclear.